The following is an entry in ClinVar:

ClinVar aggregate classification (germline): Uncertain significance (1 of 4 stars; one submission).

Submission:

Dasa
Classification: Uncertain significance. Last evaluated: 2025-11-17. Review status: criteria provided, single submitter. Criteria: DASA Assertion Criteria. Collection method: clinical testing. Allele origin: germline.
Comment: NM_001177949.2(SYCP3):c.298C>G (p.Leu100Val) is a missense variant that results in the substitution of leucine with valine. This variant is rare in population databases. Computational prediction algorithms are consistent with a benign effect. The currently available literature and clinical evidence are not sufficient to establish a definitive association between this variant and the reported condition. Therefore, this variant is classified as a variant of uncertain significance.

NM_001177949.2(SYCP3):c.298C>G (p.Leu100Val)

Gene: SYCP3 (synaptonemal complex protein 3; minus strand). Cytogenetic location: 12q23.2.
Variant type: single nucleotide variant.
Coding change: c.298C>G on transcript NM_001177949.2 (MANE Select); coding-DNA position 298, C replaced by G.
Protein change: p.Leu100Val; replaces leucine 100 with valine.
Molecular consequence: missense variant.
Genome position (GRCh38, 1-based): chr12:101,734,982, G>C on the plus strand (C>G on the coding strand, the complement: SYCP3 is on the minus strand). VCF-style: chr12-101734982-G-C. GRCh37 (hg19) VCF-style: chr12-102128760-G-C.
Other names: c.298C>G, p.Leu100Val (NM_001177948.2, NM_153694.5); short protein forms L100V.
Identifiers: ClinVar variation 4885734 (VCV004885734.2).